The following is an entry in ClinVar:

ClinVar aggregate classification (germline): Uncertain significance. Review status: criteria provided, multiple submitters, no conflicts (2 of 4 stars). 2 submissions from 2 submitters: Uncertain significance (2). Last evaluated 2026-06-14.

Conditions:
Hereditary cancer-predisposing syndrome. Also called: Tumor predisposition; Neoplastic Syndromes, Hereditary; Hereditary Cancer Syndrome; Hereditary neoplastic syndrome. Identifiers: Orphanet 140162, MedGen C0027672, MeSH D009386, MONDO:0015356.
Bloom syndrome (BLM). Also called: Bloom-Torre-Machacek syndrome. Identifiers: Orphanet 125, MedGen C0005859, MONDO:0008876, OMIM 210900.

Allele frequency attached by ClinVar (database versions not stated): ExAC 0.00001; gnomAD exomes 0.00001 and below 0.00001.
gnomAD v4.1: 2 of 1,532,890 alleles (0.00013%); highest among the groups gnomAD compares: Non-Finnish European, 0.00017%; no homozygotes.

Submissions (2):

Ambry Genetics
Classification: Uncertain significance for Hereditary cancer-predisposing syndrome. Last evaluated: 2026-06-14. Review status: criteria provided, single submitter. Criteria: Ambry Variant Classification Scheme 2023. Collection method: clinical testing. Allele origin: germline.
Comment: The p.G590A variant (also known as c.1769G>C), located in coding exon 6 of the BLM gene, results from a G to C substitution at nucleotide position 1769. The glycine at codon 590 is replaced by alanine, an amino acid with similar properties. This amino acid position is conserved. In addition, the in silico prediction for this alteration is inconclusive. Based on the available evidence, the clinical significance of this variant remains unclear.

Labcorp Genetics (formerly Invitae), Labcorp
Classification: Uncertain significance for Bloom syndrome. Last evaluated: 2024-07-30. Review status: criteria provided, single submitter. Criteria: Invitae Variant Classification Sherloc (09022015). Collection method: clinical testing. Allele origin: germline.
Comment: This sequence change replaces glycine, which is neutral and non-polar, with alanine, which is neutral and non-polar, at codon 590 of the BLM protein (p.Gly590Ala). This variant is present in population databases (rs758250947, gnomAD 0.001%). This variant has not been reported in the literature in individuals affected with BLM-related conditions. ClinVar contains an entry for this variant (Variation ID: 1491942). Advanced modeling of protein sequence and biophysical properties (such as structural, functional, and spatial information, amino acid conservation, physicochemical variation, residue mobility, and thermodynamic stability) performed at Invitae indicates that this missense variant is not expected to disrupt BLM protein function with a negative predictive value of 80%. In summary, the available evidence is currently insufficient to determine the role of this variant in disease. Therefore, it has been classified as a Variant of Uncertain Significance.

NM_000057.4(BLM):c.1769G>C (p.Gly590Ala)

Gene: BLM (BLM RecQ like helicase; plus strand). Cytogenetic location: 15q26.1.
Variant type: single nucleotide variant.
Coding change: c.1769G>C on transcript NM_000057.4 (MANE Select); coding-DNA position 1769, G replaced by C.
Protein change: p.Gly590Ala; replaces glycine 590 with alanine.
Molecular consequence: missense variant.
Genome position (GRCh38, 1-based): chr15:90,761,142, G>C. VCF-style: chr15-90761142-G-C. GRCh37 (hg19) VCF-style: chr15-91304372-G-C.
Other names: c.1769G>C, p.Gly590Ala (NM_001287246.2, NM_001287247.2); c.644G>C, p.Gly215Ala (NM_001287248.2); c.1769G>C (NM_000057.2); short protein forms G590A, G215A.
Identifiers: ClinVar variation 1491942 (VCV001491942.9), dbSNP rs758250947, ClinGen allele CA7738583.